The following is an entry in ClinVar:

NM_004360.5(CDH1):c.253G>A (p.Val85Ile)

Gene: CDH1 (cadherin 1; plus strand). Cytogenetic location: 16q22.1.
Variant type: single nucleotide variant.
Coding change: c.253G>A on transcript NM_004360.5 (MANE Select); coding-DNA position 253, G replaced by A.
Protein change: p.Val85Ile; replaces valine 85 with isoleucine.
Molecular consequence: missense variant. On other transcripts: 5 prime UTR variant (2).
Genome position (GRCh38, 1-based): chr16:68,801,759, G>A. VCF-style: chr16-68801759-G-A. GRCh37 (hg19) VCF-style: chr16-68835662-G-A.
Other names: c.253G>A, p.Val85Ile (NM_001317184.2); c.-1363G>A (NM_001317185.2); c.-1567G>A (NM_001317186.2); c.253G>A (LRG_301t1); short protein forms V85I.
Identifiers: ClinVar variation 479529 (VCV000479529.9), dbSNP rs1555514427, ClinGen allele CA396457244.

ClinVar aggregate classification (germline): Uncertain significance. Review status: criteria provided, multiple submitters, no conflicts (2 of 4 stars). 2 submissions from 2 submitters: Uncertain significance (2). Last evaluated 2026-01-14.

Conditions:
Hereditary cancer-predisposing syndrome. Also called: Tumor predisposition; Hereditary Cancer Syndrome; Neoplastic Syndromes, Hereditary; Hereditary neoplastic syndrome. Identifiers: Orphanet 140162, MedGen C0027672, MeSH D009386, MONDO:0015356.
Hereditary diffuse gastric adenocarcinoma (HDGC). Also called: DIFFUSE GASTRIC AND LOBULAR BREAST CANCER SYNDROME. Identifiers: Orphanet 26106, MedGen C1708349, MONDO:0007648, OMIM 137215.

Submissions (2):

Ambry Genetics
Classification: Uncertain significance for Hereditary cancer-predisposing syndrome. Last evaluated: 2026-01-14. Review status: criteria provided, single submitter. Criteria: Ambry Variant Classification Scheme 2023. Collection method: clinical testing. Allele origin: germline.

Labcorp Genetics (formerly Invitae), Labcorp
Classification: Uncertain significance for Hereditary diffuse gastric adenocarcinoma. Last evaluated: 2025-10-28. Review status: criteria provided, single submitter. Criteria: Invitae Variant Classification Sherloc (09022015). Collection method: clinical testing. Allele origin: germline.
Comment: This sequence change replaces valine, which is neutral and non-polar, with isoleucine, which is neutral and non-polar, at codon 85 of the CDH1 protein (p.Val85Ile). This variant is not present in population databases (gnomAD no frequency). This variant has not been reported in the literature in individuals affected with CDH1-related conditions. ClinVar contains an entry for this variant (Variation ID: 479529). An algorithm developed to predict the effect of missense changes on protein structure and function (PolyPhen-2) suggests that this variant is likely to be tolerated. In summary, the available evidence is currently insufficient to determine the role of this variant in disease. Therefore, it has been classified as a Variant of Uncertain Significance.